The following is an entry in ClinVar:

NM_001145128.3(AK9):c.2752-3T>C

Gene: AK9 (adenylate kinase 9; minus strand). Cytogenetic location: 6q21.
Variant type: single nucleotide variant.
Coding change: c.2752-3T>C on transcript NM_001145128.3 (MANE Select); 3 bases into the intron before coding-DNA position 2752, T replaced by C.
Molecular consequence: intron variant.
Genome position (GRCh38, 1-based): chr6:109,550,305, A>G on the plus strand (T>C on the coding strand, the complement: AK9 is on the minus strand). VCF-style: chr6-109550305-A-G. GRCh37 (hg19) VCF-style: chr6-109871508-A-G.
Identifiers: ClinVar variation 3770660 (VCV003770660.13).

ClinVar aggregate classification (germline): Likely benign (1 of 4 stars; one submission).

gnomAD v4.1: 7,487 of 1,602,400 alleles (0.47%); highest among the groups gnomAD compares: Non-Finnish European, 0.58%; 23 homozygotes.

Submission:

CeGaT Center for Human Genetics Tuebingen
Classification: Likely benign. Last evaluated: 2025-02-01. Review status: criteria provided, single submitter. Criteria: CeGaT Center For Human Genetics Tuebingen Variant Classification Criteria Version 2. Collection method: clinical testing. Allele origin: germline. Affected: yes. Observed: 1 variant allele.
Comment: AK9: BP4, BS2